The following is an entry in ClinVar:

ClinVar aggregate classification (germline): Likely benign. Review status: criteria provided, multiple submitters, no conflicts (2 of 4 stars). 2 submissions from 2 submitters: Likely benign (2). Last evaluated 2026-07-14.

Conditions:
BTD-related disorder. Also called: BTD-related condition.
Biotinidase deficiency. Also called: Biotin deficiency; BTD deficiency; Late-onset biotin-responsive multiple carboxylase deficiency. Identifiers: Orphanet 79241, MedGen C0220754, MONDO:0009665, OMIM 253260.

Allele frequency attached by ClinVar (database versions not stated): ESP Exome Variant Server 0.00008; gnomAD 0.00011; TOPMed 0.00012.
gnomAD v4.1: 39 of 1,614,100 alleles (0.0024%); highest among the groups gnomAD compares: African/African-American, 0.036%; no homozygotes.

Submissions (2):

PreventionGenetics, part of Exact Sciences
Classification: Likely benign for BTD-related condition. Last evaluated: 2026-07-14. Review status: criteria provided, single submitter. Criteria: ACMG Guidelines, 2015. Collection method: clinical testing. Allele origin: germline.
Comment: This variant is classified as likely benign based on ACMG/AMP sequence variant interpretation guidelines (Richards et al. 2015 PMID: 25741868, with internal and published modifications).

Labcorp Genetics (formerly Invitae), Labcorp
Classification: Likely benign for Biotinidase deficiency. Last evaluated: 2025-12-08. Review status: criteria provided, single submitter. Criteria: Invitae Variant Classification Sherloc (09022015). Collection method: clinical testing. Allele origin: germline.

NM_001370658.1(BTD):c.1438C>T (p.Leu480=)

Gene: BTD (biotinidase; plus strand). Cytogenetic location: 3p25.1.
Variant type: single nucleotide variant.
Coding change: c.1438C>T on transcript NM_001370658.1 (MANE Select); coding-DNA position 1438, C replaced by T.
Protein change: p.Leu480=; no amino-acid change (leucine 480 retained).
Molecular consequence: synonymous variant. On other transcripts: intron variant (8).
Genome position (GRCh38, 1-based): chr3:15,645,354, C>T. VCF-style: chr3-15645354-C-T. GRCh37 (hg19) VCF-style: chr3-15686861-C-T.
Other names: c.1438C>T, p.Leu480= (NM_001281723.4, NM_001281724.3, NM_001281725.3 and 16 more transcripts); c.1015+423C>T (NM_001370752.1, NM_001407379.1); c.399+3297C>T (NM_001370753.1, NM_001407400.1, NM_001407380.1 and 3 more transcripts); c.1498C>T (NM_000060.4).
Identifiers: ClinVar variation 1115173 (VCV001115173.9), dbSNP rs150206202, ClinGen allele CA2277481.